The following is an entry in ClinVar:

ClinVar aggregate classification (germline): Uncertain significance (1 of 4 stars; one submission).

Submission:

Labcorp Genetics (formerly Invitae), Labcorp
Classification: Uncertain significance. Last evaluated: 2023-11-27. Review status: criteria provided, single submitter. Criteria: Invitae Variant Classification Sherloc (09022015). Collection method: clinical testing. Allele origin: germline.
Comment: This sequence change replaces leucine, which is neutral and non-polar, with phenylalanine, which is neutral and non-polar, at codon 348 of the SRP72 protein (p.Leu348Phe). This variant is not present in population databases (gnomAD no frequency). This variant has not been reported in the literature in individuals affected with SRP72-related conditions. ClinVar contains an entry for this variant (Variation ID: 1483631). Advanced modeling of protein sequence and biophysical properties (such as structural, functional, and spatial information, amino acid conservation, physicochemical variation, residue mobility, and thermodynamic stability) performed at Invitae indicates that this missense variant is not expected to disrupt SRP72 protein function with a negative predictive value of 80%. In summary, the available evidence is currently insufficient to determine the role of this variant in disease. Therefore, it has been classified as a Variant of Uncertain Significance.

NM_006947.4(SRP72):c.1042C>T (p.Leu348Phe)

Gene: SRP72 (signal recognition particle 72; plus strand). Cytogenetic location: 4q12.
Variant type: single nucleotide variant.
Coding change: c.1042C>T on transcript NM_006947.4 (MANE Select); coding-DNA position 1042, C replaced by T.
Protein change: p.Leu348Phe; replaces leucine 348 with phenylalanine.
Molecular consequence: missense variant. On other transcripts: non-coding transcript variant (1).
Genome position (GRCh38, 1-based): chr4:56,484,820, C>T. VCF-style: chr4-56484820-C-T. GRCh37 (hg19) VCF-style: chr4-57350986-C-T.
Other names: c.859C>T, p.Leu287Phe (NM_001267722.2); short protein forms L287F, L348F.
Identifiers: ClinVar variation 1483631 (VCV001483631.6), dbSNP rs2110123001, ClinGen allele CA357000058.